The following is an entry in ClinVar:

NM_001372.4(DNAH9):c.10854G>A (p.Thr3618=)

Genes: DNAH9 (dynein axonemal heavy chain 9; plus strand), LOC101928350 (uncharacterized LOC101928350; minus strand). Cytogenetic location: 17p12.
Variant type: single nucleotide variant.
Coding change: c.10854G>A on transcript NM_001372.4 (MANE Select); coding-DNA position 10854, G replaced by A.
Protein change: p.Thr3618=; no amino-acid change (threonine 3618 retained).
Molecular consequence: synonymous variant. On other transcripts: 5 prime UTR variant (1).
Genome position (GRCh38, 1-based): chr17:11,883,633, G>A. VCF-style: chr17-11883633-G-A. GRCh37 (hg19) VCF-style: chr17-11786950-G-A.
Other names: c.-211G>A (NM_004662.2); c.10854G>A (NM_001372.3).
Identifiers: ClinVar variation 1600514 (VCV001600514.34), dbSNP rs147799113, ClinGen allele CA8397656.

ClinVar aggregate classification (germline): Benign/Likely benign. Review status: criteria provided, multiple submitters, no conflicts (2 of 4 stars). 4 submissions from 4 submitters: Benign (1); Likely benign (2). 1 of the submissions does not count toward it. Last evaluated 2026-02-01.

Conditions:
DNAH9-related disorder. Also called: DNAH9-related condition.

Allele frequency attached by ClinVar (database versions not stated): TOPMed 0.00088; ESP Exome Variant Server 0.00092; gnomAD exomes 0.00141; gnomAD 0.00152; ExAC 0.00158.
gnomAD v4.1: 1,721 of 1,613,988 alleles (0.11%); highest among the groups gnomAD compares: Non-Finnish European, 0.12%; 11 homozygotes.

Submissions (4):

Labcorp Genetics (formerly Invitae), Labcorp
Classification: Benign. Last evaluated: 2026-02-01. Review status: criteria provided, single submitter. Criteria: Invitae Variant Classification Sherloc (09022015). Collection method: clinical testing. Allele origin: germline.

Blueprint Genetics
Classification: Likely benign. Last evaluated: 2024-11-26. Review status: criteria provided, single submitter. Criteria: ACMG Guidelines, 2015. Collection method: clinical testing. Allele origin: germline.

CeGaT Center for Human Genetics Tuebingen
Classification: Likely benign. Last evaluated: 2024-05-01. Review status: criteria provided, single submitter. Criteria: CeGaT Center For Human Genetics Tuebingen Variant Classification Criteria Version 2. Collection method: clinical testing. Allele origin: germline. Affected: yes. Observed: 4 variant alleles.
Comment: DNAH9: BP4, BP7, BS2

PreventionGenetics, part of Exact Sciences
Classification: Likely benign for DNAH9-related condition. Last evaluated: 2019-07-23. Review status: no assertion criteria provided. Collection method: clinical testing. Allele origin: germline. Not counted in ClinVar's aggregate classification.
Comment: This variant is classified as likely benign based on ACMG/AMP sequence variant interpretation guidelines (Richards et al. 2015 PMID: 25741868, with internal and published modifications).